The following is an entry in ClinVar:

NM_001003841.3(SLC6A19):c.697G>A (p.Val233Ile)

Gene: SLC6A19 (solute carrier family 6 member 19; plus strand). Cytogenetic location: 5p15.33.
Variant type: single nucleotide variant.
Coding change: c.697G>A on transcript NM_001003841.3 (MANE Select); coding-DNA position 697, G replaced by A.
Protein change: p.Val233Ile; replaces valine 233 with isoleucine.
Molecular consequence: missense variant.
Genome position (GRCh38, 1-based): chr5:1,213,496, G>A. VCF-style: chr5-1213496-G-A. GRCh37 (hg19) VCF-style: chr5-1213611-G-A.
Other names: short protein forms V233I.
Identifiers: ClinVar variation 1348032 (VCV001348032.8), dbSNP rs183474162, ClinGen allele CA3182840.

ClinVar aggregate classification (germline): Uncertain significance. Review status: criteria provided, multiple submitters, no conflicts (2 of 4 stars). 4 submissions from 4 submitters: Uncertain significance (4). Last evaluated 2024-01-24.

Conditions:
Hyperglycinuria. Also called: GLYCINURIA WITH OR WITHOUT OXALATE NEPHROLITHIASIS; GLYCINURIA WITH OR WITHOUT OXALATE UROLITHIASIS; IMINOGLYCINURIA TYPE II. Identifiers: MedGen C0543541, MONDO:0007677, OMIM 138500, HP:0003108.
Iminoglycinuria. Identifiers: Orphanet 42062, MedGen C0268654, MONDO:0009448, OMIM 242600.
Neutral 1 amino acid transport defect (HND). Also called: Hartnup disease; HARTNUP DISORDER. Identifiers: Orphanet 2116, MedGen C0018609, MONDO:0009324, OMIM 234500.

Allele frequency attached by ClinVar (database versions not stated): gnomAD exomes 0.00004; ExAC 0.00005; gnomAD 0.00006 and 0.00008; TOPMed 0.00006; 1000 Genomes Project 0.00060; 1000 Genomes Project 30x 0.00062.
gnomAD v4.1: 57 of 1,605,908 alleles (0.0035%); highest among the groups gnomAD compares: Admixed American, 0.056%; no homozygotes.

Submissions (4):

Labcorp Genetics (formerly Invitae), Labcorp
Classification: Uncertain significance. Last evaluated: 2024-01-24. Review status: criteria provided, single submitter. Criteria: Invitae Variant Classification Sherloc (09022015). Collection method: clinical testing. Allele origin: germline.
Comment: This sequence change replaces valine, which is neutral and non-polar, with isoleucine, which is neutral and non-polar, at codon 233 of the SLC6A19 protein (p.Val233Ile). This variant is present in population databases (rs183474162, gnomAD 0.02%). This missense change has been observed in individual(s) with a positive newborn screening result for SLC6A19-related disease (PMID: 30626930). ClinVar contains an entry for this variant (Variation ID: 1348032). Advanced modeling of protein sequence and biophysical properties (such as structural, functional, and spatial information, amino acid conservation, physicochemical variation, residue mobility, and thermodynamic stability) performed at Invitae indicates that this missense variant is not expected to disrupt SLC6A19 protein function with a negative predictive value of 80%. In summary, the available evidence is currently insufficient to determine the role of this variant in disease. Therefore, it has been classified as a Variant of Uncertain Significance.

GeneDx
Classification: Uncertain significance. Last evaluated: 2022-06-01. Review status: criteria provided, single submitter. Criteria: GeneDx Variant Classification Process June 2021. Collection method: clinical testing. Allele origin: germline. Affected: yes.
Comment: Identified via newborn screening study in a heterozygous individual who was classified as a carrier (Navarrete et al., 2019); In silico analysis supports that this missense variant does not alter protein structure/function; This variant is associated with the following publications: (PMID: 30626930)

Fulgent Genetics
Classification: Uncertain significance for Hyperglycinuria; Neutral 1 amino acid transport defect; Iminoglycinuria. Last evaluated: 2022-03-29. Review status: criteria provided, single submitter. Criteria: ACMG Guidelines, 2015. Collection method: clinical testing. Allele origin: unknown.

Revvity Omics, Revvity
Classification: Uncertain significance for Neutral 1 amino acid transport defect. Last evaluated: 2019-11-18. Review status: criteria provided, single submitter. Criteria: ACMG Guidelines, 2015. Collection method: clinical testing. Allele origin: germline.

Literature cited by the submitters: PubMed 30626930 (cited by Labcorp Genetics (formerly Invitae), Labcorp).